The following is an entry in ClinVar:

ClinVar aggregate classification (germline): Uncertain significance (1 of 4 stars; one submission).

Conditions:
Malignant hyperthermia, susceptibility to, 5 (MHS5). Also called: CACNA1S-Related Malignant Hyperthermia Susceptibility. Identifiers: Orphanet 423, MedGen C1866077, MONDO:0011163, OMIM 601887.

Submission:

All of Us Research Program, National Institutes of Health
Classification: Uncertain significance for Malignant hyperthermia, susceptibility to, 5. Last evaluated: 2024-06-09. Review status: criteria provided, single submitter. Criteria: ACMG Guidelines, 2015. Collection method: clinical testing. Allele origin: germline. Inheritance: Autosomal dominant inheritance. Observed: 1 variant allele, 1 heterozygote.
Comment: This variant is located in the CACNA1S protein. To our knowledge, functional studies have not been reported for this variant. This variant has not been reported in individuals affected with CACNA1S-related disorders in the literature. This variant has not been identified in the general population by the Genome Aggregation Database (gnomAD). The available evidence is insufficient to determine the role of this variant in disease conclusively. Therefore, this variant is classified as a Variant of Uncertain Significance.

This study involves interpretation of variants in research participants for the purpose of population health screening. Participant phenotype was not available at the time of variant classification. Additional details can be found in publication PMID: 35346344, PMCID: PMC8962531

NM_000069.3(CACNA1S):c.1977T>A (p.Ile659=)

Gene: CACNA1S (calcium voltage-gated channel subunit alpha1 S; minus strand). Cytogenetic location: 1q32.1.
Variant type: single nucleotide variant.
Coding change: c.1977T>A on transcript NM_000069.3 (MANE Select); coding-DNA position 1977, T replaced by A.
Protein change: p.Ile659=; no amino-acid change (isoleucine 659 retained).
Molecular consequence: synonymous variant.
Genome position (GRCh38, 1-based): chr1:201,074,592, A>T on the plus strand (T>A on the coding strand, the complement: CACNA1S is on the minus strand). VCF-style: chr1-201074592-A-T. GRCh37 (hg19) VCF-style: chr1-201043720-A-T.
Identifiers: ClinVar variation 3386367 (VCV003386367.1).